The following is an entry in ClinVar:

ClinVar aggregate classification (germline): Conflicting classifications of pathogenicity. Review status: criteria provided, conflicting classifications (1 of 4 stars). 4 submissions from 4 submitters: Uncertain significance (1); Benign (1); Likely benign (1). 1 of the submissions does not count toward it. Last evaluated 2026-01-09.

Conditions:
Nemaline myopathy 2 (NEM2). Also called: Nemaline myopathy 2, autosomal recessive. Identifiers: MedGen C1850569, MONDO:0009725, OMIM 256030.
NEB-related disorder. Also called: NEB-Related Disorders; NEB-related condition.

Allele frequency attached by ClinVar (database versions not stated): gnomAD 0.00003; TOPMed 0.00010; ExAC 0.00013; gnomAD exomes 0.00015.
gnomAD v4.1: 104 of 1,613,774 alleles (0.0064%); highest among the groups gnomAD compares: East Asian, 0.22%; 1 homozygote.

Submissions (4):

Labcorp Genetics (formerly Invitae), Labcorp
Classification: Benign for Nemaline myopathy 2. Last evaluated: 2026-01-09. Review status: criteria provided, single submitter. Criteria: Invitae Variant Classification Sherloc (09022015). Collection method: clinical testing. Allele origin: germline.

Blueprint Genetics
Classification: Likely benign. Last evaluated: 2021-05-26. Review status: criteria provided, single submitter. Criteria: ACMG Guidelines, 2015. Collection method: clinical testing. Allele origin: germline.

Illumina Laboratory Services, Illumina
Classification: Uncertain significance for Nemaline myopathy 2. Last evaluated: 2018-01-12. Review status: criteria provided, single submitter. Criteria: ICSL Variant Classification Criteria 13 December 2019. Collection method: clinical testing. Allele origin: germline.

PreventionGenetics, part of Exact Sciences
Classification: Likely benign for NEB-related condition. Last evaluated: 2019-12-16. Review status: no assertion criteria provided. Collection method: clinical testing. Allele origin: germline. Not counted in ClinVar's aggregate classification.
Comment: This variant is classified as likely benign based on ACMG/AMP sequence variant interpretation guidelines (Richards et al. 2015 PMID: 25741868, with internal and published modifications).

NM_001164508.2(NEB):c.12210C>G (p.Ala4070=)

Gene: NEB (nebulin; minus strand). Cytogenetic location: 2q23.3.
Variant type: single nucleotide variant.
Coding change: c.12210C>G on transcript NM_001164508.2 (MANE Select); coding-DNA position 12210, C replaced by G.
Protein change: p.Ala4070=; no amino-acid change (alanine 4070 retained).
Molecular consequence: synonymous variant.
Genome position (GRCh38, 1-based): chr2:151,609,929, G>C on the plus strand (C>G on the coding strand, the complement: NEB is on the minus strand). VCF-style: chr2-151609929-G-C. GRCh37 (hg19) VCF-style: chr2-152466443-G-C.
Other names: c.12210C>G, p.Ala4070= (NM_001164507.2, NM_001271208.2); c.11481C>G, p.Ala3827= (NM_004543.5).
Identifiers: ClinVar variation 752161 (VCV000752161.18), dbSNP rs749556191, ClinGen allele CA1908574.